The following is an entry in ClinVar:

ClinVar aggregate classification (germline): Pathogenic/Likely pathogenic. Review status: criteria provided, multiple submitters, no conflicts (2 of 4 stars). 3 submissions from 3 submitters: Pathogenic (1); Likely pathogenic (2). Last evaluated 2024-03-20.

Conditions:
Hereditary nonpolyposis colorectal neoplasms. Identifiers: MedGen C0009405, MeSH D003123.
Hereditary cancer-predisposing syndrome. Also called: Tumor predisposition; Hereditary neoplastic syndrome; Neoplastic Syndromes, Hereditary; Hereditary Cancer Syndrome. Identifiers: Orphanet 140162, MedGen C0027672, MeSH D009386, MONDO:0015356.
Lynch syndrome 4 (LYNCH4). Also called: Hereditary non-polyposis colorectal cancer, type 4; Colorectal cancer, hereditary nonpolyposis, type 4. Identifiers: Orphanet 144, MedGen C1838333, MONDO:0013699, OMIM 614337. Disease mechanism: loss of function.

Allele frequency attached by ClinVar (database versions not stated): ExAC 0.00001.

Submissions (3):

Ambry Genetics
Classification: Likely pathogenic for Hereditary cancer-predisposing syndrome. Last evaluated: 2024-03-20. Review status: criteria provided, single submitter. Criteria: Ambry Variant Classification Scheme 2023. Collection method: clinical testing. Allele origin: germline.
Comment: The c.251-1G>C intronic variant results from a G to C substitution one nucleotide before coding exon 4 of the PMS2 gene. This nucleotide position is highly conserved in available vertebrate species. In silico splice site analysis predicts that this alteration will weaken the native splice acceptor site. RNA studies have demonstrated that this alteration results in abnormal splicing in the set of samples tested (Ambry internal data). Another alteration impacting the same acceptor site (c.251-2A>T) has been shown to have a similar impact on splicing in individuals whose Lynch syndrome-associated tumors demonstrated isolated loss of PMS2 expression by immunohistochemistry (Ambry internal data). Alterations that disrupt the canonical splice site are expected to cause aberrant splicing, resulting in an abnormal protein or a transcript that is subject to nonsense-mediated mRNA decay. As such, this alteration is classified as likely pathogenic.

Myriad Genetics, Inc.
Classification: Likely pathogenic for Lynch syndrome 4. Last evaluated: 2023-09-18. Review status: criteria provided, single submitter. Criteria: Myriad Autosomal Dominant, Autosomal Recessive and X-Linked Classification Criteria (2023). Collection method: clinical testing. Allele origin: unknown.
Comment: This variant is considered likely pathogenic. This variant occurs within a consensus splice junction and is predicted to result in abnormal mRNA splicing of either an out-of-frame exon or an in-frame exon necessary for protein stability and/or normal function.

Labcorp Genetics (formerly Invitae), Labcorp
Classification: Pathogenic for Hereditary nonpolyposis colorectal neoplasms. Last evaluated: 2023-03-04. Review status: criteria provided, single submitter. Criteria: Invitae Variant Classification Sherloc (09022015). Collection method: clinical testing. Allele origin: germline.
Comment: This sequence change affects an acceptor splice site in intron 3 of the PMS2 gene. RNA analysis indicates that disruption of this splice site induces altered splicing and may result in an absent or disrupted protein product. This variant is present in population databases (rs764171734, gnomAD 0.003%). For these reasons, this variant has been classified as Pathogenic. Studies have shown that disruption of this splice site results in skipping of exon 4 and introduces a premature termination codon (Invitae). The resulting mRNA is expected to undergo nonsense-mediated decay. Disruption of this splice site has been observed in individuals with Lynch syndrome (PMID: 18602922; Invitae).

Literature cited by the submitters: PubMed 18602922 (cited by Labcorp Genetics (formerly Invitae), Labcorp).

NM_000535.7(PMS2):c.251-1G>C

Gene: PMS2 (PMS1 homolog 2, mismatch repair system component; minus strand). Cytogenetic location: 7p22.1.
Variant type: single nucleotide variant.
Coding change: c.251-1G>C on transcript NM_000535.7 (MANE Select); the canonical splice acceptor site of the intron before coding-DNA position 251, G replaced by C.
Molecular consequence: splice acceptor variant. On other transcripts: missense variant (1), intron variant (11).
Genome position (GRCh38, 1-based): chr7:6,003,793, C>G on the plus strand (G>C on the coding strand, the complement: PMS2 is on the minus strand). VCF-style: chr7-6003793-C-G. GRCh37 (hg19) VCF-style: chr7-6043424-C-G.
Other names: c.274G>C, p.Ala92Pro (NM_001406868.1); c.35+179G>C (NM_001322008.2, NM_001406902.1, NM_001406883.1 and 4 more transcripts); c.-132+179G>C (NM_001406881.1, NM_001406900.1); c.-102-1G>C (NM_001406895.1, NM_001406904.1, NM_001406889.1 and 6 more transcripts); c.-155-1G>C (NM_001406911.1, NM_001322010.2, NM_001322004.2 and 13 more transcripts); c.-234-1G>C (NM_001406879.1, NM_001322015.2, NM_001406878.1 and 3 more transcripts); c.-634-1G>C (NM_001322012.2, NM_001322011.2); c.-52-1157G>C (NM_001406896.1); and 5 more; short protein forms A92P.
Identifiers: ClinVar variation 2674196 (VCV002674196.5), dbSNP rs764171734, ClinGen allele CA048613.
Genomic context (GRCh38, chr7:6,003,793, plus strand): 5'-AAGTTTCAACCTGAGTTAGGTCGGCAAACTCTTGAATCTTAGATGTGTGATGTTTCAGAG[C>G]TGAAAGAGAGTGTAAAGTAAGGACTAAGATATCTCAAGTGCTATAACAACAAAATATACA-3'